The following is an entry in ClinVar:

NM_002296.4(LBR):c.227G>A (p.Arg76Gln)

Gene: LBR (lamin B receptor; minus strand). Cytogenetic location: 1q42.12.
Variant type: single nucleotide variant.
Coding change: c.227G>A on transcript NM_002296.4 (MANE Select); coding-DNA position 227, G replaced by A.
Protein change: p.Arg76Gln; replaces arginine 76 with glutamine.
Molecular consequence: missense variant.
Genome position (GRCh38, 1-based): chr1:225,422,216, C>T on the plus strand (G>A on the coding strand, the complement: LBR is on the minus strand). VCF-style: chr1-225422216-C-T. GRCh37 (hg19) VCF-style: chr1-225609918-C-T.
Other names: c.227G>A, p.Arg76Gln (NM_194442.3); short protein forms R76Q.
Identifiers: ClinVar variation 1330856 (VCV001330856.49), dbSNP rs749991297, ClinGen allele CA1417532.

ClinVar aggregate classification (germline): Uncertain significance. Review status: criteria provided, multiple submitters, no conflicts (2 of 4 stars). 2 submissions from 2 submitters: Uncertain significance (2). Last evaluated 2025-12-01.

Allele frequency attached by ClinVar (database versions not stated): ExAC 0.00002; gnomAD 0.00002 and 0.00003; TOPMed 0.00002; gnomAD exomes 0.00004.
gnomAD v4.1: 43 of 1,613,778 alleles (0.0027%); highest among the groups gnomAD compares: East Asian, 0.013%; no homozygotes.

Submissions (2):

Labcorp Genetics (formerly Invitae), Labcorp
Classification: Uncertain significance. Last evaluated: 2025-12-01. Review status: criteria provided, single submitter. Criteria: Invitae Variant Classification Sherloc (09022015). Collection method: clinical testing. Allele origin: germline.
Comment: This sequence change replaces arginine, which is basic and polar, with glutamine, which is neutral and polar, at codon 76 of the LBR protein (p.Arg76Gln). This variant is present in population databases (rs749991297, gnomAD 0.02%). This variant has not been reported in the literature in individuals affected with LBR-related conditions. ClinVar contains an entry for this variant (Variation ID: 1330856). Invitae Evidence Modeling of protein sequence and biophysical properties (such as structural, functional, and spatial information, amino acid conservation, physicochemical variation, residue mobility, and thermodynamic stability) indicates that this missense variant is expected to disrupt LBR protein function with a positive predictive value of 95%. In summary, the available evidence is currently insufficient to determine the role of this variant in disease. Therefore, it has been classified as a Variant of Uncertain Significance.

ARUP Laboratories, Molecular Genetics and Genomics, ARUP Laboratories
Classification: Uncertain significance. Last evaluated: 2021-10-25. Review status: criteria provided, single submitter. Criteria: ARUP Molecular Germline Variant Investigation Process 2021. Collection method: clinical testing. Allele origin: germline.
Comment: The LBR c.227G>A; p.Arg76Gln variant (rs749991297), to our knowledge, is not reported in the medical literature or gene specific databases. This variant is found in the general population with an overall allele frequency of 0.004% (12/282,850 alleles) in the Genome Aggregation Database. The arginine at codon 76 is moderately conserved and computational analyses are uncertain whether this variant is neutral or deleterious (REVEL: 0.389). Due to limited information, the clinical significance of the p.Arg76Gln variant is uncertain at this time.